The following is an entry in ClinVar:

NM_007194.4(CHEK2):c.544C>T (p.Pro182Ser)

Gene: CHEK2 (checkpoint kinase 2; minus strand). Cytogenetic location: 22q12.1.
Variant type: single nucleotide variant.
Coding change: c.544C>T on transcript NM_007194.4 (MANE Select); coding-DNA position 544, C replaced by T.
Protein change: p.Pro182Ser; replaces proline 182 with serine.
Molecular consequence: missense variant. On other transcripts: 5 prime UTR variant (2), intron variant (1).
Genome position (GRCh38, 1-based): chr22:28,725,025, G>A on the plus strand (C>T on the coding strand, the complement: CHEK2 is on the minus strand). VCF-style: chr22-28725025-G-A. GRCh37 (hg19) VCF-style: chr22-29121013-G-A.
Other names: c.673C>T, p.Pro225Ser (NM_001005735.3, NM_001438294.1); c.-234C>T (NM_001257387.3); c.-120C>T (NM_001437942.1); c.637C>T, p.Pro213Ser (NM_001438293.1, NM_001438295.1); c.544C>T, p.Pro182Ser (NM_145862.3); c.445-102C>T (NM_001349956.3); short protein forms P182S, P225S, P213S.
Identifiers: ClinVar variation 230270 (VCV000230270.17), dbSNP rs786203973, ClinGen allele CA10581085.
Genomic context (GRCh38, chr22:28,725,025, plus strand): 5'-TAATAATATTACCTTTATTTCTGCTTAGTGACAGTGCAATTTCAGAATTGTTATTCAAAG[G>A]ACGGCGTTTTCCTTTCCCTACAAGCTCTGTATTTACAAAGGTTCCATTGCCACTGTGATC-3'
Protein context (NP_009125.1, residues 172-192): TELVGKGKRR[Pro182Ser]LNNNSEIALS

ClinVar aggregate classification (germline): Uncertain significance. Review status: criteria provided, multiple submitters, no conflicts (2 of 4 stars). 2 submissions from 2 submitters: Uncertain significance (2). Last evaluated 2026-01-12.

Conditions:
Hereditary cancer-predisposing syndrome. Also called: Hereditary neoplastic syndrome; Hereditary Cancer Syndrome; Neoplastic Syndromes, Hereditary; Tumor predisposition. Identifiers: Orphanet 140162, MedGen C0027672, MeSH D009386, MONDO:0015356.
Familial cancer of breast. Also called: Hereditary breast cancer; BREAST CANCER, FAMILIAL; hereditary breast carcinoma. Identifiers: Orphanet 227535, MedGen C0346153, MONDO:0016419, OMIM 114480. Disease mechanism: loss of function.

Submissions (2):

Labcorp Genetics (formerly Invitae), Labcorp
Classification: Uncertain significance for Familial cancer of breast. Last evaluated: 2026-01-12. Review status: criteria provided, single submitter. Criteria: Invitae Variant Classification Sherloc (09022015). Collection method: clinical testing. Allele origin: germline.
Comment: This sequence change replaces proline, which is neutral and non-polar, with serine, which is neutral and polar, at codon 182 of the CHEK2 protein (p.Pro182Ser). This variant is not present in population databases (gnomAD no frequency). This variant has not been reported in the literature in individuals affected with CHEK2-related conditions. ClinVar contains an entry for this variant (Variation ID: 230270). An algorithm developed to predict the effect of missense changes on protein structure and function (PolyPhen-2) suggests that this variant is likely to be disruptive. In summary, the available evidence is currently insufficient to determine the role of this variant in disease. Therefore, it has been classified as a Variant of Uncertain Significance.

Ambry Genetics
Classification: Uncertain significance for Hereditary cancer-predisposing syndrome. Last evaluated: 2025-04-04. Review status: criteria provided, single submitter. Criteria: Ambry Variant Classification Scheme 2023. Collection method: clinical testing. Allele origin: germline.
Comment: The p.P182S variant (also known as c.544C>T), located in coding exon 3 of the CHEK2 gene, results from a C to T substitution at nucleotide position 544. The proline at codon 182 is replaced by serine, an amino acid with similar properties. This amino acid position is highly conserved in available vertebrate species. In addition, the in silico prediction for this alteration is inconclusive. Since supporting evidence is limited at this time, the clinical significance of this alteration remains unclear.